The following is an entry in ClinVar:

ClinVar aggregate classification (germline): Benign. Review status: criteria provided, single submitter (1 of 4 stars). 3 submissions from 1 submitter: Benign (3). Last evaluated 2018-01-12.

Conditions:
Leprechaunism syndrome. Also called: Donohue syndrome; LEPRECHAUNISM. Identifiers: Orphanet 508, MedGen C0265344, MONDO:0009517, OMIM 246200.
Rabson-Mendenhall syndrome. Also called: MENDENHALL SYNDROME; Pineal Hyperplasia, Insulin-Resistant Diabetes Mellitus, and Somatic Abnormalities; Pineal hyperplasia AND diabetes mellitus syndrome. Identifiers: Orphanet 769, MedGen C0271695, MONDO:0009874, OMIM 262190.
Insulin-resistant diabetes mellitus AND acanthosis nigricans. Also called: Insulin-resistance syndrome type A; INSULIN RECEPTOR, DEFECT IN, WITH INSULIN-RESISTANT DIABETES MELLITUS AND ACANTHOSIS NIGRICANS; IRAN, TYPE A; type A insulin resistance; DIABETES MELLITUS, INSULIN-RESISTANT, WITH ACANTHOSIS NIGRICANS, TYPE A. Identifiers: Orphanet 2297, MedGen C0342278, MONDO:0012520, OMIM 610549.

Allele frequency attached by ClinVar (database versions not stated): gnomAD 0.05871 and 0.06049; TOPMed 0.06653; 1000 Genomes Project 0.08347; 1000 Genomes Project 30x 0.08370.

Submissions (3):

Illumina Laboratory Services, Illumina
Classification: Benign for Insulin-resistant diabetes mellitus AND acanthosis nigricans. Last evaluated: 2018-01-12. Review status: criteria provided, single submitter. Criteria: ICSL Variant Classification Criteria 13 December 2019. Collection method: clinical testing. Allele origin: germline.
Comment: This variant was observed in the ICSL laboratory as part of a predisposition screen in an ostensibly healthy population. It had not been previously curated by ICSL or reported in the Human Gene Mutation Database (HGMD: prior to June 1st, 2018), and was therefore a candidate for classification through an automated scoring system. Utilizing variant allele frequency, disease prevalence and penetrance estimates, and inheritance mode, an automated score was calculated to assess if this variant is too frequent to cause the disease. Based on the score and internal cut-off values, a variant classified as benign is not then subjected to further curation. The score for this variant resulted in a classification of benign for this disease.

Illumina Laboratory Services, Illumina
Classification: Benign for Rabson-Mendenhall syndrome. Last evaluated: 2018-01-12. Review status: criteria provided, single submitter. Criteria: ICSL Variant Classification Criteria 13 December 2019. Collection method: clinical testing. Allele origin: germline.
Comment: the same text as in the submission from Illumina Laboratory Services, Illumina above.

Illumina Laboratory Services, Illumina
Classification: Benign for Leprechaunism syndrome. Last evaluated: 2018-01-12. Review status: criteria provided, single submitter. Criteria: ICSL Variant Classification Criteria 13 December 2019. Collection method: clinical testing. Allele origin: germline.
Comment: the same text as in the submission from Illumina Laboratory Services, Illumina above.

NM_000208.4(INSR):c.*4186T>C

Gene: INSR (insulin receptor; minus strand). Cytogenetic location: 19p13.2.
Variant type: single nucleotide variant.
Coding change: c.*4186T>C on transcript NM_000208.4 (MANE Select); 4186 bases downstream of the stop codon, T replaced by C.
Molecular consequence: 3 prime UTR variant.
Genome position (GRCh38, 1-based): chr19:7,112,870, A>G on the plus strand (T>C on the coding strand, the complement: INSR is on the minus strand). VCF-style: chr19-7112870-A-G. GRCh37 (hg19) VCF-style: chr19-7112881-A-G.
Other names: c.*4186T>C (NM_001079817.3).
Identifiers: ClinVar variation 330356 (VCV000330356.5), dbSNP rs1366600, ClinGen allele CA10652830.